The following is an entry in ClinVar:

NM_000552.5(VWF):c.992_993delinsAA (p.Cys331Ter)

Gene: VWF (von Willebrand factor; minus strand). Cytogenetic location: 12p13.31.
Variant type: Indel.
Coding change: c.992_993delinsAA on transcript NM_000552.5 (MANE Select); coding-DNA positions 992 to 993, GC replaced by AA.
Protein change: p.Cys331Ter; replaces cysteine 331 with a stop codon.
Molecular consequence: nonsense.
Genome position (GRCh38, 1-based): chr12:6,073,623-6,073,624, GC replaced by TT on the plus strand (GC replaced by AA on the coding strand, the reverse complement: VWF is on the minus strand). VCF-style: chr12-6073623-GC-TT. GRCh37 (hg19) VCF-style: chr12-6182789-GC-TT.
Other names: p.Cys331*; c.992_993delinsAA (NM_000552.3); short protein forms C331*.
Identifiers: ClinVar variation 3381084 (VCV003381084.2).

ClinVar aggregate classification (germline): Pathogenic. Review status: criteria provided, multiple submitters, no conflicts (2 of 4 stars). 2 submissions from 2 submitters: Pathogenic (2). Last evaluated 2024-09-10.

Submissions (2):

GeneDx
Classification: Pathogenic. Last evaluated: 2024-09-10. Review status: criteria provided, single submitter. Criteria: GeneDx Variant Classification Process June 2021. Collection method: clinical testing. Allele origin: germline. Affected: yes.
Comment: Nonsense variant predicted to result in protein truncation or nonsense mediated decay in a gene for which loss of function is a known mechanism of disease; Not observed at significant frequency in large population cohorts (gnomAD); This variant is associated with the following publications: (PMID: 19601990)

Mayo Clinic Laboratories, Mayo Clinic
Classification: Pathogenic. Last evaluated: 2024-08-29. Review status: criteria provided, single submitter. Criteria: ACMG Guidelines, 2015. Collection method: clinical testing. Allele origin: germline. Observed: 1 variant allele.
Comment: PM2, PM3, PS4_moderate, PVS1

Literature cited by the submitters: PubMed 17080221 (cited by Mayo Clinic Laboratories, Mayo Clinic); PubMed 19601990 (cited by Mayo Clinic Laboratories, Mayo Clinic); PubMed 35343054 (cited by Mayo Clinic Laboratories, Mayo Clinic).